The following is an entry in ClinVar:

NM_173596.3(SLC39A5):c.558A>C (p.Pro186=)

Gene: SLC39A5 (solute carrier family 39 member 5; plus strand). Cytogenetic location: 12q13.3.
Variant type: single nucleotide variant.
Coding change: c.558A>C on transcript NM_173596.3 (MANE Select); coding-DNA position 558, A replaced by C.
Protein change: p.Pro186=; no amino-acid change (proline 186 retained).
Molecular consequence: synonymous variant.
Genome position (GRCh38, 1-based): chr12:56,234,910, A>C. VCF-style: chr12-56234910-A-C. GRCh37 (hg19) VCF-style: chr12-56628694-A-C.
Other names: c.558A>C, p.Pro186= (NM_001135195.2).
Identifiers: ClinVar variation 3034033 (VCV003034033.2), dbSNP rs190059993, ClinGen allele CA6627094.

ClinVar aggregate classification (germline): Benign (0 of 4 stars; one submission).

Conditions:
SLC39A5-related disorder. Also called: SLC39A5-related condition.

Allele frequency attached by ClinVar (database versions not stated): TOPMed 0.00118; 1000 Genomes Project 30x 0.00422; 1000 Genomes Project 0.00459; gnomAD exomes 0.00046; gnomAD 0.00090; ExAC 0.00194.
gnomAD v4.1: 909 of 1,613,854 alleles (0.056%); highest among the groups gnomAD compares: East Asian, 1.7%; 19 homozygotes.

Submission:

PreventionGenetics, part of Exact Sciences
Classification: Benign for SLC39A5-related condition. Last evaluated: 2024-01-05. Review status: no assertion criteria provided. Collection method: clinical testing. Allele origin: germline.
Comment: This variant is classified as benign based on ACMG/AMP sequence variant interpretation guidelines (Richards et al. 2015 PMID: 25741868, with internal and published modifications).